The following is an entry in ClinVar:

ClinVar aggregate classification (germline): Uncertain significance (1 of 4 stars; one submission).

Conditions:
Hereditary breast ovarian cancer syndrome. Also called: Hereditary breast and ovarian cancer syndrome (HBOC); Breast and ovarian cancer; BRCA1- and BRCA2-Associated Hereditary Breast and Ovarian Cancer; Hereditary breast and/or ovarian cancer syndrome; Hereditary breast and ovarian cancer; Hereditary breast and ovarian cancer syndrome. Identifiers: Orphanet 145, MedGen C0677776, MeSH D061325, MONDO:0003582. Disease mechanism: loss of function.

Submission:

Labcorp Genetics (formerly Invitae), Labcorp
Classification: Uncertain significance for Hereditary breast ovarian cancer syndrome. Last evaluated: 2021-06-02. Review status: criteria provided, single submitter. Criteria: Invitae Variant Classification Sherloc (09022015). Collection method: clinical testing. Allele origin: germline.
Comment: In summary, the available evidence is currently insufficient to determine the role of this variant in disease. Therefore, it has been classified as a Variant of Uncertain Significance. Advanced modeling of protein sequence and biophysical properties (such as structural, functional, and spatial information, amino acid conservation, physicochemical variation, residue mobility, and thermodynamic stability) performed at Invitae indicates that this missense variant is expected to disrupt BRCA2 protein function. This variant has not been reported in the literature in individuals with BRCA2-related conditions. This variant is not present in population databases (ExAC no frequency). This sequence change replaces tryptophan with glycine at codon 2725 of the BRCA2 protein (p.Trp2725Gly). The tryptophan residue is highly conserved and there is a large physicochemical difference between tryptophan and glycine.

NM_000059.4(BRCA2):c.8173T>G (p.Trp2725Gly)

Gene: BRCA2 (BRCA2 DNA repair associated; plus strand). Cytogenetic location: 13q13.1.
Variant type: single nucleotide variant.
Coding change: c.8173T>G on transcript NM_000059.4 (MANE Select); coding-DNA position 8173, T replaced by G.
Protein change: p.Trp2725Gly; replaces tryptophan 2725 with glycine.
Molecular consequence: missense variant.
Genome position (GRCh38, 1-based): chr13:32,363,375, T>G. VCF-style: chr13-32363375-T-G. GRCh37 (hg19) VCF-style: chr13-32937512-T-G.
Other names: short protein forms W2725G.
Identifiers: ClinVar variation 1429798 (VCV001429798.8), dbSNP rs2137581408, ClinGen allele CA387749612.
Genomic context (GRCh38, chr13:32,363,375, plus strand): 5'-AGCAATAAAACTAGTAGTGCAGATACCCAAAAAGTGGCCATTATTGAACTTACAGATGGG[T>G]GGTATGCTGTTAAGGCCCAGTTAGATCCTCCCCTCTTAGCTGTCTTAAAGAATGGCAGAC-3'
Protein context (NP_000050.3, residues 2715-2735): KVAIIELTDG[Trp2725Gly]YAVKAQLDPP